The following is an entry in ClinVar:

NM_207352.4(CYP4V2):c.792dup (p.Thr265fs)

Gene: CYP4V2 (cytochrome P450 family 4 subfamily V member 2; plus strand). Cytogenetic location: 4q35.1.
Variant type: Duplication.
Coding change: c.792dup on transcript NM_207352.4 (MANE Select); coding-DNA position 792, one base duplicated (T; older notation c.792dupT).
Protein change: p.Thr265fs; shifts the reading frame from threonine 265.
Molecular consequence: frameshift variant.
Genome position (GRCh38, 1-based): chr4:186,199,074, T duplicated; the last of 4 consecutive T bases (chr4:186,199,071-186,199,074); duplicating any one gives the same sequence. VCF-style (leftmost placement, unchanged base first): chr4-186199070-C-CT. GRCh37 (hg19) VCF-style: chr4-187120224-C-CT.
Other names: short protein forms T265fs.
Identifiers: ClinVar variation 866305 (VCV000866305.4), dbSNP rs775749608, ClinGen allele CA3162647.
Genomic context (GRCh38, chr4:186,199,070, plus strand): 5'-TCTGGTACCTTATGTTTAAAGAAGGATGGGAACACAAAAAGAGCCTTCAGATCCTACATA[C>CT]TTTTACCAACAGTGTAAGTCCCTGACTTTTACAATTGTGGTAAAATAGACATAACATAAA-3'

ClinVar aggregate classification (germline): Pathogenic/Likely pathogenic. Review status: criteria provided, multiple submitters, no conflicts (2 of 4 stars). 2 submissions from 2 submitters: Pathogenic (1); Likely pathogenic (1). Last evaluated 2025-05-09.

Conditions:
CYP4V2-related disorder. Also called: CYP4V2-related disorders; CYP4V2-related condition.

Submissions (2):

Labcorp Genetics (formerly Invitae), Labcorp
Classification: Pathogenic. Last evaluated: 2025-05-09. Review status: criteria provided, single submitter. Criteria: Invitae Variant Classification Sherloc (09022015). Collection method: clinical testing. Allele origin: germline.
Comment: This sequence change creates a premature translational stop signal (p.Thr265Tyrfs*7) in the CYP4V2 gene. It is expected to result in an absent or disrupted protein product. Loss-of-function variants in CYP4V2 are known to be pathogenic (PMID: 15042513, 25118264). This variant is present in population databases (rs775749608, gnomAD 0.0009%). This variant has not been reported in the literature in individuals affected with CYP4V2-related conditions. ClinVar contains an entry for this variant (Variation ID: 866305). For these reasons, this variant has been classified as Pathogenic.

Blueprint Genetics
Classification: Likely pathogenic for CYP4V2-related disorders. Last evaluated: 2020-03-12. Review status: criteria provided, single submitter. Criteria: ACMG Guidelines, 2015. Collection method: clinical testing. Allele origin: germline. Affected: yes. Observed: 1 variant allele.

Literature cited by the submitters: PubMed 15042513 (cited by Labcorp Genetics (formerly Invitae), Labcorp); PubMed 25118264 (cited by Labcorp Genetics (formerly Invitae), Labcorp).